The following is an entry in ClinVar:

NM_006329.4(FBLN5):c.101A>T (p.Asp34Val)

Gene: FBLN5 (fibulin 5; minus strand). Cytogenetic location: 14q32.12.
Variant type: single nucleotide variant.
Coding change: c.101A>T on transcript NM_006329.4 (MANE Select); coding-DNA position 101, A replaced by T.
Protein change: p.Asp34Val; replaces aspartic acid 34 with valine.
Molecular consequence: missense variant. On other transcripts: 5 prime UTR variant (2).
Genome position (GRCh38, 1-based): chr14:91,940,588, T>A on the plus strand (A>T on the coding strand, the complement: FBLN5 is on the minus strand). VCF-style: chr14-91940588-T-A. GRCh37 (hg19) VCF-style: chr14-92406932-T-A.
Other names: c.101A>T, p.Asp34Val (NM_001384158.1, NM_001384160.1); c.152A>T, p.Asp51Val (NM_001384159.1); c.-169A>T (NM_001384161.1, NM_001384162.1); short protein forms D34V, D51V.
Identifiers: ClinVar variation 2707354 (VCV002707354.3), dbSNP rs2542908863, ClinGen allele CA390641329.

ClinVar aggregate classification (germline): Uncertain significance (1 of 4 stars; one submission).

gnomAD v4.1: 1 of 1,614,064 alleles (0.000062%); highest among the groups gnomAD compares: Non-Finnish European, 0.000085%; no homozygotes.

Submission:

Labcorp Genetics (formerly Invitae), Labcorp
Classification: Uncertain significance. Last evaluated: 2024-01-04. Review status: criteria provided, single submitter. Criteria: Invitae Variant Classification Sherloc (09022015). Collection method: clinical testing. Allele origin: germline.
Comment: This sequence change replaces aspartic acid, which is acidic and polar, with valine, which is neutral and non-polar, at codon 34 of the FBLN5 protein (p.Asp34Val). This variant is not present in population databases (gnomAD no frequency). This variant has not been reported in the literature in individuals affected with FBLN5-related conditions. An algorithm developed to predict the effect of missense changes on protein structure and function (PolyPhen-2) suggests that this variant is likely to be tolerated. In summary, the available evidence is currently insufficient to determine the role of this variant in disease. Therefore, it has been classified as a Variant of Uncertain Significance.